The following is an entry in ClinVar:

ClinVar aggregate classification (germline): Uncertain significance (1 of 4 stars; one submission).

Conditions:
Mitochondrial complex II deficiency, nuclear type 1. Also called: SUCCINATE CoQ REDUCTASE DEFICIENCY. Identifiers: Orphanet 3208, MedGen C5700310, MONDO:0100294, OMIM 252011.
Pheochromocytoma/paraganglioma syndrome 5. Also called: Paragangliomas 5; SDHA-Related Hereditary Paraganglioma-Pheochromocytoma Syndrome. Identifiers: Orphanet 29072, MedGen C3279992, MONDO:0013602, OMIM 614165.

Submission:

Labcorp Genetics (formerly Invitae), Labcorp
Classification: Uncertain significance for Pheochromocytoma/paraganglioma syndrome 5; Mitochondrial complex II deficiency, nuclear type 1. Last evaluated: 2020-02-27. Review status: criteria provided, single submitter. Criteria: Invitae Variant Classification Sherloc (09022015). Collection method: clinical testing. Allele origin: germline.
Comment: This variant is not present in population databases (ExAC no frequency). This variant has not been reported in the literature in individuals with SDHA-related disease. This sequence change replaces proline with alanine at codon 381 of the SDHA protein (p.Pro381Ala). The proline residue is highly conserved and there is a small physicochemical difference between proline and alanine. In summary, the available evidence is currently insufficient to determine the role of this variant in disease. Therefore, it has been classified as a Variant of Uncertain Significance. Algorithms developed to predict the effect of missense changes on protein structure and function (SIFT, PolyPhen-2, Align-GVGD) all suggest that this variant is likely to be disruptive, but these predictions have not been confirmed by published functional studies and their clinical significance is uncertain.

NM_004168.4(SDHA):c.1141C>G (p.Pro381Ala)

Gene: SDHA (succinate dehydrogenase complex flavoprotein subunit A; plus strand). Cytogenetic location: 5p15.33.
Variant type: single nucleotide variant.
Coding change: c.1141C>G on transcript NM_004168.4 (MANE Select); coding-DNA position 1141, C replaced by G.
Protein change: p.Pro381Ala; replaces proline 381 with alanine.
Molecular consequence: missense variant.
Genome position (GRCh38, 1-based): chr5:235,220, C>G. VCF-style: chr5-235220-C-G. GRCh37 (hg19) VCF-style: chr5-235335-C-G.
Other names: c.997C>G, p.Pro333Ala (NM_001294332.2); c.1141C>G, p.Pro381Ala (NM_001330758.2); short protein forms P333A, P381A.
Identifiers: ClinVar variation 998739 (VCV000998739.9), dbSNP rs1735694889, ClinGen allele CA359013536.
Genomic context (GRCh38, chr5:235,220, plus strand): 5'-AAAGATCACGTCTACCTGCAGCTGCACCACCTACCTCCAGAGCAGCTGGCCACGCGCCTG[C>G]CTGGCATTTCAGAGACAGCCATGATCTTCGCTGGCGTGGACGTCACGAAGGAGCCGATCC-3'
Protein context (NP_004159.2, residues 371-391): LPPEQLATRL[Pro381Ala]GISETAMIFA